The following is an entry in ClinVar:

NM_152618.3(BBS12):c.901C>A (p.Gln301Lys)

Gene: BBS12 (Bardet-Biedl syndrome 12; plus strand). Cytogenetic location: 4q27.
Variant type: single nucleotide variant.
Coding change: c.901C>A on transcript NM_152618.3 (MANE Select); coding-DNA position 901, C replaced by A.
Protein change: p.Gln301Lys; replaces glutamine 301 with lysine.
Molecular consequence: missense variant.
Genome position (GRCh38, 1-based): chr4:122,742,793, C>A. VCF-style: chr4-122742793-C-A. GRCh37 (hg19) VCF-style: chr4-123663948-C-A.
Other names: c.901C>A, p.Gln301Lys (NM_001178007.2); short protein forms Q301K.
Identifiers: ClinVar variation 3356955 (VCV003356955.1).

ClinVar aggregate classification (germline): Uncertain significance (0 of 4 stars; one submission).

Conditions:
BBS12-related disorder. Also called: BBS12-related condition.

gnomAD v4.1: 2 of 1,614,200 alleles (0.00012%); highest among the groups gnomAD compares: Non-Finnish European, 0.00017%; no homozygotes.

Submission:

PreventionGenetics, part of Exact Sciences
Classification: Uncertain significance for BBS12-related condition. Last evaluated: 2024-03-19. Review status: no assertion criteria provided. Collection method: clinical testing. Allele origin: germline.
Comment: The BBS12 c.901C>A variant is predicted to result in the amino acid substitution p.Gln301Lys. To our knowledge, this variant has not been reported in the literature. This variant is reported in 0.00088% of alleles in individuals of European (Non-Finnish) descent in gnomAD. At this time, the clinical significance of this variant is uncertain due to the absence of conclusive functional and genetic evidence.